The following is an entry in ClinVar:

NM_207034.3(EDN3):c.*355A>G

Gene: EDN3 (endothelin 3; plus strand). Cytogenetic location: 20q13.32.
Variant type: single nucleotide variant.
Coding change: c.*355A>G on transcript NM_207034.3 (MANE Select); 355 bases downstream of the stop codon, A replaced by G.
Molecular consequence: 3 prime UTR variant.
Genome position (GRCh38, 1-based): chr20:59,324,814, A>G. VCF-style: chr20-59324814-A-G. GRCh37 (hg19) VCF-style: chr20-57899869-A-G.
Other names: c.*479A>G (NM_001302455.2); c.*447A>G (NM_001302456.2, NM_207032.3); c.*355A>G (NM_207033.3).
Identifiers: ClinVar variation 339142 (VCV000339142.5), dbSNP rs79786751, ClinGen allele CA10650108.

ClinVar aggregate classification (germline): Likely benign (1 of 4 stars; one submission).

Conditions:
Hirschsprung disease, susceptibility to, 4. Identifiers: Orphanet 388, MedGen C3150975, MONDO:0013384, OMIM 613712.

Allele frequency attached by ClinVar (database versions not stated): gnomAD 0.00017 and 0.00019; TOPMed 0.00031; gnomAD exomes 0.00033; 1000 Genomes Project 0.00060; 1000 Genomes Project 30x 0.00062.

Submission:

Illumina Laboratory Services, Illumina
Classification: Likely benign for Hirschsprung disease, susceptibility to, 4. Last evaluated: 2018-01-13. Review status: criteria provided, single submitter. Criteria: ICSL Variant Classification Criteria 13 December 2019. Collection method: clinical testing. Allele origin: germline.
Comment: This variant was observed in the ICSL laboratory as part of a predisposition screen in an ostensibly healthy population. It had not been previously curated by ICSL or reported in the Human Gene Mutation Database (HGMD: prior to June 1st, 2018), and was therefore a candidate for classification through an automated scoring system. Utilizing variant allele frequency, disease prevalence and penetrance estimates, and inheritance mode, an automated score was calculated to assess if this variant is too frequent to cause the disease. Based on the score and internal cut-off values, a variant classified as likely benign is not then subjected to further curation. The score for this variant resulted in a classification of likely benign for this disease.